The following is an entry in ClinVar:

NM_015474.4(SAMHD1):c.953G>A (p.Arg318Lys)

Gene: SAMHD1 (SAM and HD domain containing deoxynucleoside triphosphate triphosphohydrolase 1; minus strand). Cytogenetic location: 20q11.23.
Variant type: single nucleotide variant.
Coding change: c.953G>A on transcript NM_015474.4 (MANE Select); coding-DNA position 953, G replaced by A.
Protein change: p.Arg318Lys; replaces arginine 318 with lysine.
Molecular consequence: missense variant.
Genome position (GRCh38, 1-based): chr20:36,916,949, C>T on the plus strand (G>A on the coding strand, the complement: SAMHD1 is on the minus strand). VCF-style: chr20-36916949-C-T. GRCh37 (hg19) VCF-style: chr20-35545352-C-T.
Other names: c.953G>A, p.Arg318Lys (NM_001363729.2, NM_001363733.2); short protein forms R318K.
Identifiers: ClinVar variation 2989376 (VCV002989376.3), dbSNP rs2515244598, ClinGen allele CA408845315.

ClinVar aggregate classification (germline): Uncertain significance (1 of 4 stars; one submission).

Conditions:
Aicardi-Goutieres syndrome 5. Identifiers: Orphanet 51, MedGen C2749659, MONDO:0013059, OMIM 612952.

Submission:

Labcorp Genetics (formerly Invitae), Labcorp
Classification: Uncertain significance for Aicardi-Goutieres syndrome 5. Last evaluated: 2023-08-10. Review status: criteria provided, single submitter. Criteria: Invitae Variant Classification Sherloc (09022015). Collection method: clinical testing. Allele origin: germline.
Comment: In summary, the available evidence is currently insufficient to determine the role of this variant in disease. Therefore, it has been classified as a Variant of Uncertain Significance. Variants that disrupt the consensus splice site are a relatively common cause of aberrant splicing (PMID: 17576681, 9536098). Algorithms developed to predict the effect of sequence changes on RNA splicing suggest that this variant may disrupt the consensus splice site. An algorithm developed to predict the effect of missense changes on protein structure and function (PolyPhen-2) suggests that this variant is likely to be disruptive. This variant has not been reported in the literature in individuals affected with SAMHD1-related conditions. This variant is not present in population databases (gnomAD no frequency). This sequence change affects codon 318 of the SAMHD1 mRNA. It is a 'silent' change, meaning that it does not change the encoded amino acid sequence of the SAMHD1 protein. This variant also falls at the last nucleotide of exon 8, which is part of the consensus splice site for this exon.

Literature cited by the submitters: PubMed 17576681; PubMed 9536098.